The following is an entry in ClinVar:

NM_004329.3(BMPR1A):c.761G>T (p.Arg254Leu)

Gene: BMPR1A (bone morphogenetic protein receptor type 1A; plus strand). Cytogenetic location: 10q23.2.
Variant type: single nucleotide variant.
Coding change: c.761G>T on transcript NM_004329.3 (MANE Select); coding-DNA position 761, G replaced by T.
Protein change: p.Arg254Leu; replaces arginine 254 with leucine.
Molecular consequence: missense variant.
Genome position (GRCh38, 1-based): chr10:86,917,219, G>T. VCF-style: chr10-86917219-G-T. GRCh37 (hg19) VCF-style: chr10-88676976-G-T.
Other names: short protein forms R254L.
Identifiers: ClinVar variation 231309 (VCV000231309.8), dbSNP rs766908700, ClinGen allele CA10578886.

ClinVar aggregate classification (germline): Uncertain significance. Review status: criteria provided, multiple submitters, no conflicts (2 of 4 stars). 2 submissions from 2 submitters: Uncertain significance (2). Last evaluated 2023-07-27.

Conditions:
Hereditary cancer-predisposing syndrome. Also called: Hereditary Cancer Syndrome; Neoplastic Syndromes, Hereditary; Tumor predisposition; Hereditary neoplastic syndrome. Identifiers: Orphanet 140162, MedGen C0027672, MeSH D009386, MONDO:0015356.
Juvenile polyposis syndrome (JPS). Identifiers: Orphanet 2929, MedGen C0345893, MONDO:0017380, OMIM 174900.

Submissions (2):

Labcorp Genetics (formerly Invitae), Labcorp
Classification: Uncertain significance for Juvenile polyposis syndrome. Last evaluated: 2023-07-27. Review status: criteria provided, single submitter. Criteria: Invitae Variant Classification Sherloc (09022015). Collection method: clinical testing. Allele origin: germline.
Comment: ClinVar contains an entry for this variant (Variation ID: 231309). This variant has not been reported in the literature in individuals affected with BMPR1A-related conditions. This variant is not present in population databases (gnomAD no frequency). This sequence change replaces arginine, which is basic and polar, with leucine, which is neutral and non-polar, at codon 254 of the BMPR1A protein (p.Arg254Leu). In summary, the available evidence is currently insufficient to determine the role of this variant in disease. Therefore, it has been classified as a Variant of Uncertain Significance. Advanced modeling of protein sequence and biophysical properties (such as structural, functional, and spatial information, amino acid conservation, physicochemical variation, residue mobility, and thermodynamic stability) performed at Invitae indicates that this missense variant is not expected to disrupt BMPR1A protein function.

Ambry Genetics
Classification: Uncertain significance for Hereditary cancer-predisposing syndrome. Last evaluated: 2015-04-13. Review status: criteria provided, single submitter. Criteria: Ambry Variant Classification Scheme 2023. Collection method: clinical testing. Allele origin: germline.
Comment: The p.R254L variant (also known as c.761G>T), located in coding exon 7 of the BMPR1A gene, results from a G to T substitution at nucleotide position 761. The arginine at codon 254 is replaced by leucine, an amino acid with dissimilar properties. This variant was not reported in population based cohorts in the following databases: Database of Single Nucleotide Polymorphisms (dbSNP), NHLBI Exome Sequencing Project (ESP), and 1000 Genomes Project. In the ESP, this variant was not observed in 6483 samples (12966 alleles) with coverage at this position. To date, this alteration has been detected with an allele frequency of approximately 0.003% (greater than 30000 alleles tested) in our clinical cohort. This amino acid position is highly conserved in available vertebrate species. In addition, this alteration is predicted to be deleterious by in silico analysis. Since supporting evidence is limited at this time, the clinical significance of p.R254L remains unclear.